The following is an entry in ClinVar:

ClinVar aggregate classification (germline): Uncertain significance (1 of 4 stars; one submission).

Allele frequency attached by ClinVar (database versions not stated): gnomAD exomes below 0.00001 and 0.00001.
gnomAD v4.1: 3 of 1,614,008 alleles (0.00019%); highest among the groups gnomAD compares: Non-Finnish European, 0.00025%; no homozygotes.

Submission:

Labcorp Genetics (formerly Invitae), Labcorp
Classification: Uncertain significance. Last evaluated: 2025-06-06. Review status: criteria provided, single submitter. Criteria: Invitae Variant Classification Sherloc (09022015). Collection method: clinical testing. Allele origin: germline.
Comment: This sequence change falls in intron 20 of the COL13A1 gene. It does not directly change the encoded amino acid sequence of the COL13A1 protein. It affects a nucleotide within the consensus splice site. This variant is present in population databases (no rsID available, gnomAD 0.0009%). This variant has not been reported in the literature in individuals affected with COL13A1-related conditions. ClinVar contains an entry for this variant (Variation ID: 1464843). Variants that disrupt the consensus splice site are a relatively common cause of aberrant splicing (PMID: 17576681, 9536098). Algorithms developed to predict the effect of sequence changes on RNA splicing suggest that this variant is not likely to affect RNA splicing. In summary, the available evidence is currently insufficient to determine the role of this variant in disease. Therefore, it has been classified as a Variant of Uncertain Significance.

Literature cited by the submitters: PubMed 17576681; PubMed 9536098.

NM_001368882.1(COL13A1):c.1026+6G>A

Gene: COL13A1 (collagen type XIII alpha 1 chain; plus strand). Cytogenetic location: 10q22.1.
Variant type: single nucleotide variant.
Coding change: c.1026+6G>A on transcript NM_001368882.1 (MANE Select); 6 bases into the intron after coding-DNA position 1026, G replaced by A.
Molecular consequence: intron variant.
Genome position (GRCh38, 1-based): chr10:69,919,094, G>A. VCF-style: chr10-69919094-G-A. GRCh37 (hg19) VCF-style: chr10-71678850-G-A.
Other names: c.1026+6G>A (NM_001320951.2, NM_001368884.1); c.1056+6G>A (NM_001130103.2); c.990+6G>A (NM_080801.4, NM_080802.4, NM_001368883.1 and 1 more transcripts); c.999+6G>A (NM_080800.4); c.426+6G>A (NM_001368886.1); c.903+6G>A (NM_080805.4); c.912+6G>A (NM_001368897.1); c.936+6G>A (NM_001368895.1); and 1 more.
Identifiers: ClinVar variation 1464843 (VCV001464843.6), dbSNP rs1175259979, ClinGen allele CA470028822.